The following is an entry in ClinVar:

NM_005876.5(SPEG):c.361G>A (p.Ala121Thr)

Gene: SPEG (striated muscle enriched protein kinase; plus strand). Cytogenetic location: 2q35.
Variant type: single nucleotide variant.
Coding change: c.361G>A on transcript NM_005876.5 (MANE Select); coding-DNA position 361, G replaced by A.
Protein change: p.Ala121Thr; replaces alanine 121 with threonine.
Molecular consequence: missense variant.
Genome position (GRCh38, 1-based): chr2:219,435,338, G>A. VCF-style: chr2-219435338-G-A. GRCh37 (hg19) VCF-style: chr2-220300060-G-A.
Other names: short protein forms A121T.
Identifiers: ClinVar variation 1910098 (VCV001910098.5), dbSNP rs1039128745, ClinGen allele CA65993646.

ClinVar aggregate classification (germline): Uncertain significance. Review status: criteria provided, multiple submitters, no conflicts (2 of 4 stars). 2 submissions from 2 submitters: Uncertain significance (2). Last evaluated 2026-04-01.

Allele frequency attached by ClinVar (database versions not stated): TOPMed below 0.00001.
gnomAD v4.1: 7 of 1,539,204 alleles (0.00045%); highest among the groups gnomAD compares: South Asian, 0.0035%; no homozygotes.

Submissions (2):

CeGaT Center for Human Genetics Tuebingen
Classification: Uncertain significance. Last evaluated: 2026-04-01. Review status: criteria provided, single submitter. Criteria: CeGaT Center For Human Genetics Tuebingen Variant Classification Criteria Version 2. Collection method: clinical testing. Allele origin: germline. Affected: yes. Observed: 1 variant allele.
Comment: SPEG: PM2

Labcorp Genetics (formerly Invitae), Labcorp
Classification: Uncertain significance. Last evaluated: 2022-05-03. Review status: criteria provided, single submitter. Criteria: Invitae Variant Classification Sherloc (09022015). Collection method: clinical testing. Allele origin: germline.
Comment: In summary, the available evidence is currently insufficient to determine the role of this variant in disease. Therefore, it has been classified as a Variant of Uncertain Significance. This sequence change replaces alanine, which is neutral and non-polar, with threonine, which is neutral and polar, at codon 121 of the SPEG protein (p.Ala121Thr). The frequency data for this variant in the population databases is considered unreliable, as metrics indicate poor data quality at this position in the gnomAD database. This variant has not been reported in the literature in individuals affected with SPEG-related conditions. Algorithms developed to predict the effect of missense changes on protein structure and function are either unavailable or do not agree on the potential impact of this missense change (SIFT: "Deleterious"; PolyPhen-2: "Probably Damaging"; Align-GVGD: "Class C0").